The following is an entry in ClinVar:

ClinVar aggregate classification (germline): Likely pathogenic (1 of 4 stars; one submission).

Conditions:
alpha Thalassemia. Also called: Alpha thalassemia spectrum. Identifiers: Orphanet 846, MedGen C0002312, MONDO:0011399, OMIM 604131.

Submission:

Natera, Inc.
Classification: Likely pathogenic for Alpha thalassemia. Last evaluated: 2025-11-16. Review status: criteria provided, single submitter. Criteria: Natera Variant Classification Schema (03/2026). Collection method: clinical testing. Allele origin: germline.
Comment: The c.159dup variant in HBA2 is a frameshift variant predicted to shift the reading frame beginning at codon 54 and leads to a stop codon 4 codons downstream. This variant is expected to result in nonsense mediated decay, truncation, or a dysfunctional protein product. This variant is rare in the general population with a frequency below the threshold expected for the associated phenotype(s). Given the available evidence, this variant is classified as Likely Pathogenic.

NM_000517.6(HBA2):c.159dup (p.Ala54fs)

Genes: HBA2 (hemoglobin subunit alpha 2; plus strand), LOC106804612 (hemoglobin subunit alpha 2 recombination region; plus strand). Cytogenetic location: 16p13.3.
Variant type: Duplication.
Coding change: c.159dup on transcript NM_000517.6 (MANE Select); coding-DNA position 159, one base duplicated (T; older notation c.159dupT).
Protein change: p.Ala54fs; shifts the reading frame from alanine 54.
Molecular consequence: frameshift variant.
Genome position (GRCh38, 1-based): chr16:173,188, T duplicated. VCF-style (leftmost placement, unchanged base first): chr16-173187-C-CT. GRCh37 (hg19) VCF-style: chr16-223186-C-CT.
Other names: short protein forms A54fs.
Identifiers: ClinVar variation 4818631 (VCV004818631.1).